The following is an entry in ClinVar:

ClinVar aggregate classification (germline): Likely pathogenic (1 of 4 stars; one submission).

Conditions:
Microphthalmia. Also called: Microphthalmos. Identifiers: MedGen C0026010, MONDO:0021129, HP:0000568.

Submission:

Genetics Department, University Hospital of Toulouse
Classification: Likely pathogenic for Microphthalmia. Last evaluated: 2022-10-15. Review status: criteria provided, single submitter. Criteria: ACMG Guidelines, 2015. Collection method: clinical testing. Allele origin: germline. Affected: yes.
Comment: LP (PS2, PM2, PM4)

NM_000965.5(RARB):c.624_635del (p.Asp208_Arg212delinsGlu)

Gene: RARB (retinoic acid receptor beta; plus strand). Cytogenetic location: 3p24.2.
Variant type: Deletion.
Coding change: c.624_635del on transcript NM_000965.5 (MANE Select); coding-DNA positions 624 to 635, 12 bases deleted (CCATCGAGTCCG).
Protein change: p.Asp208_Arg212delinsGlu.
Molecular consequence: inframe indel. On other transcripts: non-coding transcript variant (2).
Genome position (GRCh38, 1-based): chr3:25,580,560-25,580,571, CCATCGAGTCCG deleted. VCF-style (leftmost placement, unchanged base first): chr3-25580559-ACCATCGAGTCCG-A. GRCh37 (hg19) VCF-style: chr3-25622050-ACCATCGAGTCCG-A.
Other names: c.645_656del, p.Asp215_Arg219delinsGlu (NM_001290216.3); c.288_299del, p.Asp96_Arg100delinsGlu (NM_001290217.2, NM_001290276.2, NM_016152.4); c.477_488del, p.Asp159_Arg163delinsGlu (NM_001290266.2); c.624_635del, p.Asp208_Arg212delinsGlu (NM_001290277.1); c.495_506del, p.Asp165_Arg169delinsGlu (NM_001290300.2).
Identifiers: ClinVar variation 1710326 (VCV001710326.1), dbSNP rs2529761078, ClinGen allele CA2580069199.
Genomic context (GRCh38, chr3:25,580,559, plus strand): 5'-AGAGCTTCCCGGAAACTGTATCTGATGACATTTTCTCTCTCTCCTAGAATTCCAGTGCTG[ACCATCGAGTCCG>A]ACTGGACCTGGGCCTCTGGGACAAATTCAGTGAACTGGCCACCAAGTGCATTATTAAGAT-3'